The following is an entry in ClinVar:

ClinVar aggregate classification (germline): Uncertain significance. Review status: criteria provided, multiple submitters, no conflicts (2 of 4 stars). 3 submissions from 3 submitters: Uncertain significance (3). Last evaluated 2023-09-17.

Conditions:
RYR1-related disorder. Also called: RYR1-related disorders; RYR1-related condition. Identifiers: MedGen CN239331.
Malignant hyperthermia, susceptibility to, 1 (MHS1). Also called: RYR1-Related Malignant Hyperthermia Susceptibility; Anesthesia related hyperthermia; Malignant hyperpyrexia; Fulminating hyperpyrexia; Pharmacogenic myopathy; Malignant hyperthermia suceptibility 1. Identifiers: Orphanet 423, MedGen C2930980, MONDO:0007783, OMIM 145600.

Allele frequency attached by ClinVar (database versions not stated): TOPMed 0.00001.
gnomAD v4.1: 1 of 1,610,936 alleles (0.000062%); highest among the groups gnomAD compares: Non-Finnish European, 0.000085%; no homozygotes.

Submissions (3):

All of Us Research Program, National Institutes of Health
Classification: Uncertain significance for Malignant hyperthermia, susceptibility to, 1. Last evaluated: 2023-09-17. Review status: criteria provided, single submitter. Criteria: ACMG Guidelines, 2015. Collection method: clinical testing. Allele origin: germline. Inheritance: Autosomal dominant inheritance. Observed: 1 variant allele, 1 heterozygote.
Comment: This missense variant replaces proline with threonine at codon 2793 of the RYR1 protein. Computational prediction suggests that this variant may have deleterious impact on protein structure and function (internally defined REVEL score threshold >= 0.7, PMID: 27666373). To our knowledge, functional studies have not been reported for this variant. This variant has not been reported in individuals affected with RYR1-related disorders in the literature. This variant has not been identified in the general population by the Genome Aggregation Database (gnomAD). The available evidence is insufficient to determine the role of this variant in disease conclusively. Therefore, this variant is classified as a Variant of Uncertain Significance.

This study involves interpretation of variants in research participants for the purpose of population health screening. Participant phenotype was not available at the time of variant classification. Additional details can be found in publication PMID: 35346344, PMCID: PMC8962531

Color Diagnostics, LLC DBA Color Health
Classification: Uncertain significance for Malignant hyperthermia, susceptibility to, 1. Last evaluated: 2023-08-31. Review status: criteria provided, single submitter. Criteria: ACMG Guidelines, 2015. Collection method: clinical testing. Allele origin: germline.
Comment: This missense variant replaces proline with threonine at codon 2793 of the RYR1 protein. Computational prediction suggests that this variant may have deleterious impact on protein structure and function. To our knowledge, functional studies have not been reported for this variant. This variant has not been reported in individuals affected with RYR1-related disorders in the literature. This variant has not been identified in the general population by the Genome Aggregation Database (gnomAD). The available evidence is insufficient to determine the role of this variant in disease conclusively. Therefore, this variant is classified as a Variant of Uncertain Significance.

Labcorp Genetics (formerly Invitae), Labcorp
Classification: Uncertain significance for RYR1-related disorder. Last evaluated: 2022-02-03. Review status: criteria provided, single submitter. Criteria: Invitae Variant Classification Sherloc (09022015). Collection method: clinical testing. Allele origin: germline.
Comment: Advanced modeling of protein sequence and biophysical properties (such as structural, functional, and spatial information, amino acid conservation, physicochemical variation, residue mobility, and thermodynamic stability) performed at Invitae indicates that this missense variant is expected to disrupt RYR1 protein function. In summary, the available evidence is currently insufficient to determine the role of this variant in disease. Therefore, it has been classified as a Variant of Uncertain Significance. ClinVar contains an entry for this variant (Variation ID: 934776). This sequence change replaces proline, which is neutral and non-polar, with threonine, which is neutral and polar, at codon 2793 of the RYR1 protein (p.Pro2793Thr). This variant is not present in population databases (gnomAD no frequency). This variant has not been reported in the literature in individuals affected with RYR1-related conditions.

NM_000540.3(RYR1):c.8377C>A (p.Pro2793Thr)

Genes: RYR1 (ryanodine receptor 1; plus strand), LOC126862902 (BRD4-independent group 4 enhancer GRCh37_chr19:38995830-38997029; plus strand). Cytogenetic location: 19q13.2.
Variant type: single nucleotide variant.
Coding change: c.8377C>A on transcript NM_000540.3 (MANE Select); coding-DNA position 8377, C replaced by A.
Protein change: p.Pro2793Thr; replaces proline 2793 with threonine.
Molecular consequence: missense variant.
Genome position (GRCh38, 1-based): chr19:38,505,375, C>A. VCF-style: chr19-38505375-C-A. GRCh37 (hg19) VCF-style: chr19-38996015-C-A.
Other names: c.8377C>A, p.Pro2793Thr (NM_001042723.2); short protein forms P2793T.
Identifiers: ClinVar variation 934776 (VCV000934776.11), dbSNP rs369040621, ClinGen allele CA405677688.